The following is an entry in ClinVar:

NM_004360.5(CDH1):c.1806_1807del (p.Phe602fs)

Gene: CDH1 (cadherin 1; plus strand). Cytogenetic location: 16q22.1.
Variant type: Deletion.
Coding change: c.1806_1807del on transcript NM_004360.5 (MANE Select); coding-DNA positions 1806 to 1807, 2 bases deleted (CT; older notation c.1806_1807delCT).
Protein change: p.Phe602fs; shifts the reading frame from phenylalanine 602.
Molecular consequence: frameshift variant. On other transcripts: 5 prime UTR variant (1).
Genome position (GRCh38, 1-based): chr16:68,822,095-68,822,096, CT deleted; deleting any 2 consecutive bases within chr16:68,822,094-68,822,096 gives the same sequence; the c. name uses the placement nearest the transcript's 3' end. VCF-style (leftmost placement, unchanged base first): chr16-68822093-TTC-T. GRCh37 (hg19) VCF-style: chr16-68855996-TTC-T.
Other names: c.-160_-159del (NM_001317186.2); c.1623_1624del, p.Phe541fs (NM_001317184.2); c.258_259del, p.Phe86fs (NM_001317185.2); short protein forms F541fs, F602fs, F86fs.
Identifiers: ClinVar variation 2112901 (VCV002112901.4), dbSNP rs2543942394, ClinGen allele CA2580091851.

ClinVar aggregate classification (germline): Pathogenic (1 of 4 stars; one submission).

Conditions:
Hereditary diffuse gastric adenocarcinoma (HDGC). Also called: DIFFUSE GASTRIC AND LOBULAR BREAST CANCER SYNDROME. Identifiers: Orphanet 26106, MedGen C1708349, MONDO:0007648, OMIM 137215.

Submission:

Labcorp Genetics (formerly Invitae), Labcorp
Classification: Pathogenic for Hereditary diffuse gastric adenocarcinoma. Last evaluated: 2024-12-10. Review status: criteria provided, single submitter. Criteria: Invitae Variant Classification Sherloc (09022015). Collection method: clinical testing. Allele origin: germline.
Comment: This sequence change creates a premature translational stop signal (p.Phe602Leufs*2) in the CDH1 gene. It is expected to result in an absent or disrupted protein product. Loss-of-function variants in CDH1 are known to be pathogenic (PMID: 15235021, 20373070). This variant is not present in population databases (gnomAD no frequency). This variant has not been reported in the literature in individuals affected with CDH1-related conditions. ClinVar contains an entry for this variant (Variation ID: 2112901). For these reasons, this variant has been classified as Pathogenic.

Literature cited by the submitters: PubMed 15235021; PubMed 20373070.